The following is an entry in ClinVar:

NM_000035.4(ALDOB):c.157G>T (p.Glu53Ter)

Gene: ALDOB (aldolase, fructose-bisphosphate B; minus strand). Cytogenetic location: 9q31.1.
Variant type: single nucleotide variant.
Coding change: c.157G>T on transcript NM_000035.4 (MANE Select); coding-DNA position 157, G replaced by T.
Protein change: p.Glu53Ter; replaces glutamic acid 53 with a stop codon.
Molecular consequence: nonsense.
Genome position (GRCh38, 1-based): chr9:101,429,922, C>A on the plus strand (G>T on the coding strand, the complement: ALDOB is on the minus strand). VCF-style: chr9-101429922-C-A. GRCh37 (hg19) VCF-style: chr9-104192204-C-A.
Other names: short protein forms E53*.
Identifiers: ClinVar variation 1725450 (VCV001725450.2), dbSNP rs2490128994, ClinGen allele CA374265978.

ClinVar aggregate classification (germline): Likely pathogenic (1 of 4 stars; one submission).

Conditions:
Hereditary fructosuria. Also called: ALDOB DEFICIENCY; ALDOLASE B DEFICIENCY; FRUCTOSE-1,6-BISPHOSPHATE ALDOLASE B DEFICIENCY; FRUCTOSE-1-PHOSPHATE ALDOLASE DEFICIENCY; FRUCTOSEMIA; Fructose intolerance. Identifiers: Orphanet 469, MedGen C0016751, MONDO:0009249, OMIM 229600, HP:0005973. Disease mechanism: loss of function.

Submission:

Myriad Genetics, Inc.
Classification: Likely pathogenic for Hereditary fructosuria. Last evaluated: 2022-03-22. Review status: criteria provided, single submitter. Criteria: Myriad Women's Health Autosomal Recessive and X-Linked Classification Criteria (2021). Collection method: clinical testing. Allele origin: unknown.
Comment: NM_000035.3(ALDOB):c.157G>T(E53*) is expected to be pathogenic in the context of hereditary fructose intolerance. This variant is predicted to lead to an abnormal or absent protein product due to the creation of a premature termination codon in ALDOB, a gene where loss-of-function variants are known to be pathogenic. Please note: this variant was assessed in the context of healthy population screening.